The following is an entry in ClinVar:

NM_001204.7(BMPR2):c.271C>T (p.Pro91Ser)

Gene: BMPR2 (bone morphogenetic protein receptor type 2; plus strand). Cytogenetic location: 2q33.1.
Variant type: single nucleotide variant.
Coding change: c.271C>T on transcript NM_001204.7 (MANE Select); coding-DNA position 271, C replaced by T.
Protein change: p.Pro91Ser; replaces proline 91 with serine.
Molecular consequence: missense variant.
Genome position (GRCh38, 1-based): chr2:202,467,542, C>T. VCF-style: chr2-202467542-C-T. GRCh37 (hg19) VCF-style: chr2-203332265-C-T.
Other names: short protein forms P91S.
Identifiers: ClinVar variation 4214407 (VCV004214407.1).
Genomic context (GRCh38, chr2:202,467,542, plus strand): 5'-ATATTGTCTCCTTTTTTGTATTCATATTGATTTATAGGATGTTGGTCTCACATTGGAGAT[C>T]CCCAAGAGTGTCACTATGAAGAATGTGTAGTAACTACCACTCCTCCCTCAATTCAGAATG-3'
Protein context (NP_001195.2, residues 81-101): KQGCWSHIGD[Pro91Ser]QECHYEECVV

ClinVar aggregate classification (germline): Uncertain significance (1 of 4 stars; one submission).

Conditions:
Inborn genetic diseases. Identifiers: MedGen C0950123, MeSH D030342.

gnomAD v4.1: 3 of 1,562,638 alleles (0.00019%); highest among the groups gnomAD compares: Non-Finnish European, 0.00018%; no homozygotes.

Submission:

Ambry Genetics
Classification: Uncertain significance for Inborn genetic diseases. Last evaluated: 2025-06-21. Review status: criteria provided, single submitter. Criteria: Ambry Variant Classification Scheme 2023. Collection method: clinical testing. Allele origin: germline.
Comment: The p.P91S variant (also known as c.271C>T), located in coding exon 3 of the BMPR2 gene, results from a C to T substitution at nucleotide position 271. The proline at codon 91 is replaced by serine, an amino acid with similar properties. This amino acid position is conserved. In addition, the in silico prediction for this alteration is inconclusive. Based on the available evidence, the clinical significance of this variant remains unclear.